The following is an entry in ClinVar:

NM_001204.7(BMPR2):c.68C>T (p.Thr23Ile)

Gene: BMPR2 (bone morphogenetic protein receptor type 2; plus strand). Cytogenetic location: 2q33.1.
Variant type: single nucleotide variant.
Coding change: c.68C>T on transcript NM_001204.7 (MANE Select); coding-DNA position 68, C replaced by T.
Protein change: p.Thr23Ile; replaces threonine 23 with isoleucine.
Molecular consequence: missense variant.
Genome position (GRCh38, 1-based): chr2:202,377,542, C>T. VCF-style: chr2-202377542-C-T. GRCh37 (hg19) VCF-style: chr2-203242265-C-T.
Other names: short protein forms T23I.
Identifiers: ClinVar variation 2164686 (VCV002164686.5), dbSNP rs140659948, ClinGen allele CA2061008.

ClinVar aggregate classification (germline): Conflicting classifications of pathogenicity. Review status: criteria provided, conflicting classifications (1 of 4 stars). 2 submissions from 2 submitters: Uncertain significance (1); Benign (1). Last evaluated 2025-12-22.

Conditions:
Inborn genetic diseases. Identifiers: MedGen C0950123, MeSH D030342.
Primary pulmonary hypertension. Also called: Idiopathic pulmonary hypertension. Identifiers: MedGen C0152171.

Allele frequency attached by ClinVar (database versions not stated): ExAC 0.00001; TOPMed 0.00001; gnomAD 0.00003; ESP Exome Variant Server 0.00008.
gnomAD v4.1: 47 of 1,614,078 alleles (0.0029%); highest among the groups gnomAD compares: African/African-American, 0.004%; no homozygotes.

Submissions (2):

Labcorp Genetics (formerly Invitae), Labcorp
Classification: Benign for Primary pulmonary hypertension. Last evaluated: 2025-12-22. Review status: criteria provided, single submitter. Criteria: Invitae Variant Classification Sherloc (09022015). Collection method: clinical testing. Allele origin: germline.

Ambry Genetics
Classification: Uncertain significance for Inborn genetic diseases. Last evaluated: 2024-11-28. Review status: criteria provided, single submitter. Criteria: Ambry Variant Classification Scheme 2023. Collection method: clinical testing. Allele origin: germline.
Comment: The p.T23I variant (also known as c.68C>T), located in coding exon 1 of the BMPR2 gene, results from a C to T substitution at nucleotide position 68. The threonine at codon 23 is replaced by isoleucine, an amino acid with similar properties. This amino acid position is conserved. In addition, this alteration is predicted to be tolerated by in silico analysis. Based on the available evidence, the clinical significance of this variant remains unclear.